The following is an entry in ClinVar:

NM_004525.3(LRP2):c.11114G>T (p.Cys3705Phe)

Gene: LRP2 (LDL receptor related protein 2; minus strand). Cytogenetic location: 2q31.1.
Variant type: single nucleotide variant.
Coding change: c.11114G>T on transcript NM_004525.3 (MANE Select); coding-DNA position 11114, G replaced by T.
Protein change: p.Cys3705Phe; replaces cysteine 3705 with phenylalanine.
Molecular consequence: missense variant.
Genome position (GRCh38, 1-based): chr2:169,173,125, C>A on the plus strand (G>T on the coding strand, the complement: LRP2 is on the minus strand). VCF-style: chr2-169173125-C-A. GRCh37 (hg19) VCF-style: chr2-170029635-C-A.
Other names: short protein forms C3705F.
Identifiers: ClinVar variation 684512 (VCV000684512.4), dbSNP rs1574095388, ClinGen allele CA349143977.

ClinVar aggregate classification (germline): Uncertain significance (1 of 4 stars; one submission).

Conditions:
Donnai-Barrow syndrome. Also called: DBS/FOAR SYNDROME; FACIOOCULOACOUSTICORENAL SYNDROME. Identifiers: Orphanet 2143, MedGen C1857277, MONDO:0009104, OMIM 222448.

Submission:

GeneDx
Classification: Uncertain significance. Last evaluated: 2018-09-05. Review status: criteria provided, single submitter. Criteria: GeneDx Variant Classification Process June 2021. Collection method: clinical testing. Allele origin: germline. Affected: yes.
Comment: Not observed in large population cohorts (Lek et al., 2016); In silico analysis, which includes protein predictors and evolutionary conservation, supports a deleterious effect; Has not been previously published as pathogenic or benign to our knowledge